The following is an entry in ClinVar:

ClinVar aggregate classification (germline): Uncertain significance (1 of 4 stars; one submission).

Conditions:
Autosomal recessive spinocerebellar ataxia 20. Identifiers: Orphanet 397709, MedGen C5190595, MONDO:0014601, OMIM 616354.

Submission:

Baylor Genetics
Classification: Uncertain significance for Autosomal recessive spinocerebellar ataxia 20. Last evaluated: 2019-10-24. Review status: criteria provided, single submitter. Criteria: ACMG Guidelines, 2015. Collection method: clinical testing. Allele origin: unknown. Affected: yes.
Comment: This variant was determined to be of uncertain significance according to ACMG Guidelines, 2015 [PMID:25741868].

NM_153816.6(SNX14):c.119C>T (p.Ala40Val)

Gene: SNX14 (sorting nexin 14; minus strand). Cytogenetic location: 6q14.3.
Variant type: single nucleotide variant.
Coding change: c.119C>T on transcript NM_153816.6 (MANE Select); coding-DNA position 119, C replaced by T.
Protein change: p.Ala40Val; replaces alanine 40 with valine.
Molecular consequence: missense variant. On other transcripts: 5 prime UTR variant (5), non-coding transcript variant (4), intron variant (9).
Genome position (GRCh38, 1-based): chr6:85,593,600, G>A on the plus strand (C>T on the coding strand, the complement: SNX14 is on the minus strand). VCF-style: chr6-85593600-G-A. GRCh37 (hg19) VCF-style: chr6-86303318-G-A.
Other names: c.119C>T, p.Ala40Val (NM_001297614.3, NM_001350532.2, NM_001350533.2 and 8 more transcripts); c.-282C>T (NM_001350545.2); c.-901C>T (NM_001350548.2); c.-1033C>T (NM_001350550.2); c.-948C>T (NM_001350551.2); c.-1065C>T (NM_001350552.2); c.-17+234C>T (NM_001350543.2, NM_001350539.2, NM_001350542.2 and 2 more transcripts); c.-261+234C>T (NM_001350546.2); and 2 more; short protein forms A40V.
Identifiers: ClinVar variation 1031241 (VCV001031241.1), dbSNP rs1803676386, ClinGen allele CA364905411.
Genomic context (GRCh38, chr6:85,593,600, plus strand): 5'-GAGAAAAGCCGCCGCCCAGGCTCCGCGCTGCGGCGTTACCTGTTAAGAAGCAGGGAGGCG[G>A]CGCTGAGACAGAGCAGCAGGAAGCAGAACAGCGGGTACTGGCGGCAGATCTCGCGTCCCA-3'
Protein context (NP_722523.1, residues 30-50): LFCFLLLCLS[Ala40Val]ASLLLNRYIH